The following is an entry in ClinVar:

ClinVar aggregate classification (germline): Uncertain significance (1 of 4 stars; one submission).

Conditions:
Pierpont syndrome (PRPTS). Identifiers: Orphanet 487825, MedGen C1865644, MONDO:0011213, OMIM 602342.

Submission:

Labcorp Genetics (formerly Invitae), Labcorp
Classification: Uncertain significance for Pierpont syndrome. Last evaluated: 2025-02-24. Review status: criteria provided, single submitter. Criteria: Invitae Variant Classification Sherloc (09022015). Collection method: clinical testing. Allele origin: germline.
Comment: This sequence change replaces cysteine, which is neutral and slightly polar, with tyrosine, which is neutral and polar, at codon 508 of the TBL1XR1 protein (p.Cys508Tyr). This variant is not present in population databases (gnomAD no frequency). This variant has not been reported in the literature in individuals affected with TBL1XR1-related conditions. ClinVar contains an entry for this variant (Variation ID: 1477010). An algorithm developed to predict the effect of missense changes on protein structure and function (PolyPhen-2) suggests that this variant is likely to be tolerated. In summary, the available evidence is currently insufficient to determine the role of this variant in disease. Therefore, it has been classified as a Variant of Uncertain Significance.

NM_024665.7(TBL1XR1):c.1523G>A (p.Cys508Tyr)

Gene: TBL1XR1 (TBL1X/Y related 1; minus strand). Cytogenetic location: 3q26.32.
Variant type: single nucleotide variant.
Coding change: c.1523G>A on transcript NM_024665.7 (MANE Select); coding-DNA position 1523, G replaced by A.
Protein change: p.Cys508Tyr; replaces cysteine 508 with tyrosine.
Molecular consequence: missense variant.
Genome position (GRCh38, 1-based): chr3:177,025,520, C>T on the plus strand (G>A on the coding strand, the complement: TBL1XR1 is on the minus strand). VCF-style: chr3-177025520-C-T. GRCh37 (hg19) VCF-style: chr3-176743308-C-T.
Other names: c.1523G>A, p.Cys508Tyr (NM_001321193.3, NM_001321194.3, NM_001374327.1 and 2 more transcripts); c.1262G>A, p.Cys421Tyr (NM_001321195.3, NM_001374330.1); short protein forms C421Y, C508Y.
Identifiers: ClinVar variation 1477010 (VCV001477010.8), dbSNP rs2108374207, ClinGen allele CA355553913.